The following is an entry in ClinVar:

NM_003106.4(SOX2):c.480C>G (p.Tyr160Ter)

Genes: SOX2 (SRY-box transcription factor 2; plus strand), SOX2-OT (SOX2 overlapping transcript; plus strand), LOC108281177 (SOX2 5' regulatory region; plus strand). Cytogenetic location: 3q26.33.
Variant type: single nucleotide variant.
Coding change: c.480C>G on transcript NM_003106.4 (MANE Select); coding-DNA position 480, C replaced by G.
Protein change: p.Tyr160Ter; replaces tyrosine 160 with a stop codon.
Molecular consequence: nonsense.
Genome position (GRCh38, 1-based): chr3:181,712,840, C>G. VCF-style: chr3-181712840-C-G. GRCh37 (hg19) VCF-style: chr3-181430628-C-G.
Other names: short protein forms Y160*.
Identifiers: ClinVar variation 279896 (VCV000279896.27), dbSNP rs55683010, ClinGen allele CA10602893.

ClinVar aggregate classification (germline): Pathogenic. Review status: criteria provided, multiple submitters, no conflicts (2 of 4 stars). 11 submissions from 11 submitters: Pathogenic (11). Last evaluated 2025-10-01.

Conditions:
SOX2-related disorder. Also called: SOX2-related condition.
Multiple congenital anomalies/dysmorphic syndrome-intellectual disability. Identifiers: Orphanet 102283, MedGen C5680372, MONDO:0015159.
Anophthalmia/microphthalmia-esophageal atresia syndrome (MCOPS3). Also called: AEG SYNDROME; SOX2 Disorder; MICROPHTHALMIA AND ESOPHAGEAL ATRESIA SYNDROME. Identifiers: Orphanet 77298, MedGen C1859773, MONDO:0008799, OMIM 206900.

Submissions (11):

GeneDx
Classification: Pathogenic. Last evaluated: 2025-10-01. Review status: criteria provided, single submitter. Criteria: GeneDx Variant Classification Process June 2021. Collection method: clinical testing. Allele origin: germline. Affected: yes.
Comment: Published functional studies demonstrate a damaging effect: reduced transactivation activity compared to wildtype (PMID: 24804704); Nonsense variant predicted to result in protein truncation, as the last 158 amino acids are lost, and other loss-of-function variants have been reported downstream in HGMD; Not observed at significant frequency in large population cohorts (gnomAD); This variant is associated with the following publications: (PMID: 28121235, 16712695, 18987493, 27427475, 26938784, 29453417, 28832562, 17522144, 35562572, 24804704)

Labcorp Genetics (formerly Invitae), Labcorp
Classification: Pathogenic for Anophthalmia/microphthalmia-esophageal atresia syndrome. Last evaluated: 2024-12-02. Review status: criteria provided, single submitter. Criteria: Invitae Variant Classification Sherloc (09022015). Collection method: clinical testing. Allele origin: germline.
Comment: This sequence change creates a premature translational stop signal (p.Tyr160*) in the SOX2 gene. While this is not anticipated to result in nonsense mediated decay, it is expected to disrupt the last 158 amino acid(s) of the SOX2 protein. This variant is not present in population databases (gnomAD no frequency). This premature translational stop signal has been observed in individual(s) with SOX2-related conditions (PMID: 16712695, 24804704, 26938784, 27427475, 28121235). In at least one individual the variant was observed to be de novo. ClinVar contains an entry for this variant (Variation ID: 279896). This variant disrupts a region of the SOX2 protein in which other variant(s) (p.Tyr180*) have been determined to be pathogenic (PMID: 19921648). This suggests that this is a clinically significant region of the protein, and that variants that disrupt it are likely to be disease-causing. For these reasons, this variant has been classified as Pathogenic.

3billion
Classification: Pathogenic for Anophthalmia/microphthalmia-esophageal atresia syndrome. Last evaluated: 2024-06-20. Review status: criteria provided, single submitter. Criteria: ACMG Guidelines, 2015. Collection method: clinical testing. Allele origin: germline. Affected: yes.
Comment: The variant is not observed in the gnomAD v4.0.0 dataset. Predicted Consequence/Location: Stop-gained (nonsense): predicted to result in a loss or disruption of normal protein function through protein truncation. Multiple pathogenic variants are reported in the predicted truncated region. The variant has been reported at least twice as pathogenic with clinical assertions and evidence for the classification (ClinVar ID: VCV000279896 /PMID: 16712695, 24804704 /3billion dataset). Therefore, this variant is classified as Pathogenic according to the recommendation of ACMG/AMP guideline.

Institute of Human Genetics, University of Leipzig Medical Center
Classification: Pathogenic for Anophthalmia/microphthalmia-esophageal atresia syndrome. Last evaluated: 2022-12-05. Review status: criteria provided, single submitter. Criteria: ACMG Guidelines, 2015. Collection method: clinical testing. Allele origin: unknown. Affected: yes.
Comment: _x000D_ Criteria applied: PVS1_STR, PS4, PS3_SUP, PM2_SUP

Laboratorio de Genetica e Diagnostico Molecular, Hospital Israelita Albert Einstein
Classification: Pathogenic for Anophthalmia/microphthalmia-esophageal atresia syndrome. Last evaluated: 2022-09-27. Review status: criteria provided, single submitter. Criteria: ACMG Guidelines, 2015. Collection method: clinical testing. Allele origin: germline. Affected: yes. Observed: 1 variant allele.
Comment: ACMG classification criteria: PVS1 very strong, PS4 strong, PM2 moderated, PM6 moderated

AURAGEN, Plan France Médecine Génomique
Classification: Pathogenic for Multiple congenital anomalies/dysmorphic syndrome-intellectual disability. Last evaluated: 2021-10-21. Review status: criteria provided, single submitter. Criteria: PFMG2025 (Lancet Reg Health Eur. 2025). Collection method: clinical testing. Allele origin: germline. Affected: yes.

Revvity Omics, Revvity
Classification: Pathogenic for Anophthalmia/microphthalmia-esophageal atresia syndrome. Last evaluated: 2021-09-16. Review status: criteria provided, single submitter. Criteria: ACMG Guidelines, 2015. Collection method: clinical testing. Allele origin: germline.

Genetics and Molecular Pathology, SA Pathology
Classification: Pathogenic for Anophthalmia/microphthalmia-esophageal atresia syndrome. Last evaluated: 2020-10-26. Review status: criteria provided, single submitter. Criteria: ACMG Guidelines, 2015. Collection method: clinical testing. Allele origin: germline. Affected: yes.

Institute of Medical Genetics and Applied Genomics, University Hospital Tübingen
Classification: Pathogenic. Last evaluated: 2020-10-23. Review status: criteria provided, single submitter. Criteria: ACMG Guidelines, 2015. Collection method: clinical testing. Allele origin: germline. Inheritance: Unknown mechanism. Affected: yes.

Blueprint Genetics
Classification: Pathogenic for SOX2-related disorders. Last evaluated: 2020-07-03. Review status: criteria provided, single submitter. Criteria: ACMG Guidelines, 2015. Collection method: clinical testing. Allele origin: germline. Affected: yes. Observed: 1 variant allele.

Eurofins Ntd Llc (ga)
Classification: Pathogenic. Last evaluated: 2016-03-21. Review status: criteria provided, single submitter. Criteria: EGL Classification Definitions 2015. Collection method: clinical testing. Allele origin: germline. Observed: 1 variant allele, 1 heterozygote.

Literature cited by the submitters: PubMed 16712695 (cited by 3 submitters); PubMed 24804704 (cited by Labcorp Genetics (formerly Invitae), Labcorp and Eurofins Ntd Llc (ga)); PubMed 26938784 (cited by Labcorp Genetics (formerly Invitae), Labcorp); PubMed 27427475 (cited by Labcorp Genetics (formerly Invitae), Labcorp); PubMed 28121235 (cited by Labcorp Genetics (formerly Invitae), Labcorp); PubMed 19921648 (cited by Labcorp Genetics (formerly Invitae), Labcorp); PubMed 17522144 (cited by Eurofins Ntd Llc (ga)).